The following is an entry in ClinVar:

NM_014141.6(CNTNAP2):c.1399G>T (p.Glu467Ter)

Gene: CNTNAP2 (contactin associated protein 2; plus strand). Cytogenetic location: 7q35.
Variant type: single nucleotide variant.
Coding change: c.1399G>T on transcript NM_014141.6 (MANE Select); coding-DNA position 1399, G replaced by T.
Protein change: p.Glu467Ter; replaces glutamic acid 467 with a stop codon.
Molecular consequence: nonsense.
Genome position (GRCh38, 1-based): chr7:147,300,191, G>T. VCF-style: chr7-147300191-G-T. GRCh37 (hg19) VCF-style: chr7-146997283-G-T.
Other names: short protein forms E467*.
Identifiers: ClinVar variation 933348 (VCV000933348.3), dbSNP rs986848347, ClinGen allele CA369925142.
Genomic context (GRCh38, chr7:147,300,191, plus strand): 5'-TACTTACCAGGTTCTGGGTTGAATGATGGACAGTGGCACGAGGTTCGCTTCCTAGCCAAG[G>T]AAAATTTTGCTATTCTCACCATCGATGGAGATGAAGCATCAGCAGTTCGAACTAATAGTC-3'

ClinVar aggregate classification (germline): Pathogenic (1 of 4 stars; one submission).

Conditions:
Cortical dysplasia-focal epilepsy syndrome (PTHSL1). Also called: Pitt-Hopkins-like syndrome 1. Identifiers: Orphanet 163681, Orphanet 221150, MedGen C2750246, MONDO:0012400, OMIM 610042.

Submission:

Labcorp Genetics (formerly Invitae), Labcorp
Classification: Pathogenic for Cortical dysplasia-focal epilepsy syndrome. Last evaluated: 2019-06-22. Review status: criteria provided, single submitter. Criteria: Invitae Variant Classification Sherloc (09022015). Collection method: clinical testing. Allele origin: germline.
Comment: This sequence change creates a premature translational stop signal (p.Glu467*) in the CNTNAP2 gene. It is expected to result in an absent or disrupted protein product. This variant is not present in population databases (ExAC no frequency). This variant has not been reported in the literature in individuals with CNTNAP2-related conditions. Algorithms developed to predict the effect of sequence changes on RNA splicing suggest that this variant may create or strengthen a splice site, but this prediction has not been confirmed by published transcriptional studies. Loss-of-function variants in CNTNAP2 are known to be pathogenic (PMID: 19896112, 21827697, 25045150, 26843181, 27439707). For these reasons, this variant has been classified as Pathogenic.

Literature cited by the submitters: PubMed 19896112; PubMed 21827697; PubMed 25045150; PubMed 26843181; PubMed 27439707.